The following is an entry in ClinVar:

ClinVar aggregate classification (germline): Pathogenic (1 of 4 stars; one submission).

Conditions:
Familial cancer of breast. Also called: BREAST CANCER, FAMILIAL; Hereditary breast cancer; hereditary breast carcinoma. Identifiers: Orphanet 227535, MedGen C0346153, MONDO:0016419, OMIM 114480. Disease mechanism: loss of function.

Submission:

Myriad Genetics, Inc.
Classification: Pathogenic for Familial cancer of breast. Last evaluated: 2024-01-22. Review status: criteria provided, single submitter. Criteria: Myriad Autosomal Dominant, Autosomal Recessive and X-Linked Classification Criteria (2023). Collection method: clinical testing. Allele origin: unknown.
Comment: This variant is considered pathogenic. This variant creates a frameshift predicted to result in premature protein truncation.

NM_000051.4(ATM):c.3750_3751del (p.Cys1251fs)

Gene: ATM (ATM serine/threonine kinase; plus strand). Cytogenetic location: 11q22.3.
Variant type: Deletion.
Coding change: c.3750_3751del on transcript NM_000051.4 (MANE Select); coding-DNA positions 3750 to 3751, 2 bases deleted (TT; older notation c.3750_3751delTT).
Protein change: p.Cys1251fs; shifts the reading frame from cysteine 1251.
Molecular consequence: frameshift variant.
Genome position (GRCh38, 1-based): chr11:108,284,230-108,284,231, TT deleted. VCF-style (leftmost placement, unchanged base first): chr11-108284229-CTT-C. GRCh37 (hg19) VCF-style: chr11-108154956-CTT-C.
Other names: c.3750_3751del, p.Cys1251fs (NM_001351834.2); short protein forms C1251fs.
Identifiers: ClinVar variation 3148343 (VCV003148343.1), dbSNP rs2546885789, ClinGen allele CA2825001687.